The following is an entry in ClinVar:

ClinVar aggregate classification (germline): Uncertain significance. Review status: criteria provided, multiple submitters, no conflicts (2 of 4 stars). 2 submissions from 2 submitters: Uncertain significance (2). Last evaluated 2025-04-12.

Conditions:
Wieacker-Wolff syndrome, female-restricted (WRWFFR). Identifiers: MedGen C5393303, MONDO:0026762, OMIM 301041.

Allele frequency attached by ClinVar (database versions not stated): ExAC 0.00001; gnomAD 0.00001; gnomAD exomes 0.00001; 1000 Genomes Project 30x 0.00021; 1000 Genomes Project 0.00026.
gnomAD v4.1: 15 of 1,209,378 alleles (0.0012%); highest among the groups gnomAD compares: South Asian, 0.026%; no homozygotes.

Submissions (3):

Labcorp Genetics (formerly Invitae), Labcorp
Classification: Uncertain significance. Last evaluated: 2025-04-12. Review status: criteria provided, single submitter. Criteria: Invitae Variant Classification Sherloc (09022015). Collection method: clinical testing. Allele origin: germline.
Comment: This sequence change replaces glutamic acid, which is acidic and polar, with lysine, which is basic and polar, at codon 136 of the ZC4H2 protein (p.Glu136Lys). This variant is present in population databases (rs751880978, gnomAD 0.005%). This variant has not been reported in the literature in individuals affected with ZC4H2-related conditions. ClinVar contains an entry for this variant (Variation ID: 2671709). An algorithm developed to predict the effect of missense changes on protein structure and function (PolyPhen-2) suggests that this variant is likely to be disruptive. In summary, the available evidence is currently insufficient to determine the role of this variant in disease. Therefore, it has been classified as a Variant of Uncertain Significance.

Neuberg Centre For Genomic Medicine, NCGM
Classification: Uncertain significance for Wieacker-Wolff syndrome, female-restricted. Last evaluated: 2023-02-14. Review status: criteria provided, single submitter. Criteria: ACMG Guidelines, 2015. Collection method: clinical testing. Allele origin: germline. Inheritance: X-linked dominant inheritance. Affected: yes.

Dr. Peter K. Rogan Lab, Western University
No classification provided (evidence only). Condition: Malignant tumor of urinary bladder. Review status: no classification provided. Collection method: in vitro. Allele origin: not applicable. Functional consequence: retained intron. Not counted in ClinVar's aggregate classification.

NM_018684.4(ZC4H2):c.406G>A (p.Glu136Lys)

Gene: ZC4H2 (zinc finger C4H2-type containing; minus strand). Cytogenetic location: Xq11.2.
Variant type: single nucleotide variant.
Coding change: c.406G>A on transcript NM_018684.4 (MANE Select); coding-DNA position 406, G replaced by A.
Protein change: p.Glu136Lys; replaces glutamic acid 136 with lysine.
Molecular consequence: missense variant. On other transcripts: non-coding transcript variant (1), intron variant (1).
Genome position (GRCh38, 1-based): chrX:64,919,197, C>T on the plus strand (G>A on the coding strand, the complement: ZC4H2 is on the minus strand). VCF-style: chrX-64919197-C-T. GRCh37 (hg19) VCF-style: chrX-64139077-C-T.
Other names: NC_000023.10:g.64139077C>T; c.337G>A, p.Glu113Lys (NM_001178032.3, NM_001243804.2); c.398+884G>A (NM_001178033.3); short protein forms E113K, E136K.
Identifiers: ClinVar variation 2671709 (VCV002671709.3), dbSNP rs751880978, ClinGen allele CA10433413.